The following is an entry in ClinVar:

ClinVar aggregate classification (germline): Uncertain significance (1 of 4 stars; one submission).

Conditions:
Werner syndrome (WRN). Identifiers: Orphanet 902, MedGen C0043119, MONDO:0010196, OMIM 277700.

Submission:

Labcorp Genetics (formerly Invitae), Labcorp
Classification: Uncertain significance for Werner syndrome. Last evaluated: 2021-04-30. Review status: criteria provided, single submitter. Criteria: Invitae Variant Classification Sherloc (09022015). Collection method: clinical testing. Allele origin: germline.
Comment: Algorithms developed to predict the effect of missense changes on protein structure and function are either unavailable or do not agree on the potential impact of this missense change (SIFT: "Not Available"; PolyPhen-2: "Possibly Damaging"; Align-GVGD: "Not Available"). In summary, the available evidence is currently insufficient to determine the role of this variant in disease. Therefore, it has been classified as a Variant of Uncertain Significance. This sequence change replaces arginine with threonine at codon 1048 of the WRN protein (p.Arg1048Thr). The arginine residue is moderately conserved and there is a moderate physicochemical difference between arginine and threonine. This variant is not present in population databases (ExAC no frequency). This variant has not been reported in the literature in individuals with WRN-related conditions.

NM_000553.6(WRN):c.3143G>C (p.Arg1048Thr)

Gene: WRN (WRN RecQ like helicase; plus strand). Cytogenetic location: 8p12.
Variant type: single nucleotide variant.
Coding change: c.3143G>C on transcript NM_000553.6 (MANE Select); coding-DNA position 3143, G replaced by C.
Protein change: p.Arg1048Thr; replaces arginine 1048 with threonine.
Molecular consequence: missense variant.
Genome position (GRCh38, 1-based): chr8:31,141,685, G>C. VCF-style: chr8-31141685-G-C. GRCh37 (hg19) VCF-style: chr8-30999201-G-C.
Other names: short protein forms R1048T.
Identifiers: ClinVar variation 1472344 (VCV001472344.6), dbSNP rs2130417043, ClinGen allele CA370922812.
Genomic context (GRCh38, chr8:31,141,685, plus strand): 5'-TTTGACTTAATTTTGTTTCCCACTCCACATTAAAAGATCCTTTTTGCTTTTAATAGGGTA[G>C]AAATTGGCTTCATAAAGCTAATACAGAATCTCAGAGCCTCATCCTTCAAGCTAATGAAGA-3'
Protein context (NP_000544.2, residues 1038-1058): MKICALTKKG[Arg1048Thr]NWLHKANTES